The following is an entry in ClinVar:

ClinVar aggregate classification (germline): Uncertain significance (1 of 4 stars; one submission).

Conditions:
Cranioectodermal dysplasia 1 (CED1). Also called: LEVIN SYNDROME I. Identifiers: Orphanet 1515, MedGen C0432235, MONDO:0021093, OMIM 218330.

Allele frequency attached by ClinVar (database versions not stated): gnomAD exomes below 0.00001 and 0.00001; ExAC 0.00001; gnomAD 0.00001; TOPMed 0.00001.
gnomAD v4.1: 8 of 1,609,478 alleles (0.0005%); highest among the groups gnomAD compares: Admixed American, 0.01%; no homozygotes.

Submission:

Labcorp Genetics (formerly Invitae), Labcorp
Classification: Uncertain significance for Cranioectodermal dysplasia 1. Last evaluated: 2022-05-25. Review status: criteria provided, single submitter. Criteria: Invitae Variant Classification Sherloc (09022015). Collection method: clinical testing. Allele origin: germline.
Comment: This sequence change falls in intron 24 of the IFT122 gene. It does not directly change the encoded amino acid sequence of the IFT122 protein. It affects a nucleotide within the consensus splice site. This variant is present in population databases (rs773452716, gnomAD 0.006%). This variant has not been reported in the literature in individuals affected with IFT122-related conditions. Variants that disrupt the consensus splice site are a relatively common cause of aberrant splicing (PMID: 17576681, 9536098). Algorithms developed to predict the effect of sequence changes on RNA splicing suggest that this variant is not likely to affect RNA splicing. In summary, the available evidence is currently insufficient to determine the role of this variant in disease. Therefore, it has been classified as a Variant of Uncertain Significance.

Literature cited by the submitters: PubMed 17576681; PubMed 9536098.

NM_052989.3(IFT122):c.2887-3C>T

Gene: IFT122 (intraflagellar transport 122; plus strand). Cytogenetic location: 3q22.1.
Variant type: single nucleotide variant.
Coding change: c.2887-3C>T on transcript NM_052989.3 (MANE Select); 3 bases into the intron before coding-DNA position 2887, C replaced by T.
Molecular consequence: intron variant.
Genome position (GRCh38, 1-based): chr3:129,512,309, C>T. VCF-style: chr3-129512309-C-T. GRCh37 (hg19) VCF-style: chr3-129231152-C-T.
Other names: c.2437-3C>T (NM_001280545.2); c.3040-3C>T (NM_052985.4); c.2866-3C>T (NM_001280541.2); c.2710-3C>T (NM_018262.4); c.2260-3C>T (NM_001280546.2); c.2557-3C>T (NM_052990.3).
Identifiers: ClinVar variation 1415718 (VCV001415718.3), dbSNP rs773452716, ClinGen allele CA2606693.